The following is an entry in ClinVar:

ClinVar aggregate classification (germline): Uncertain significance (1 of 4 stars; one submission).

Conditions:
Genitopatellar syndrome (GTPTS). Also called: ABSENT PATELLAE, SCROTAL HYPOPLASIA, RENAL ANOMALIES, FACIAL DYSMORPHISM, AND MENTAL RETARDATION; Genitopatellar syndrome (GPS). Identifiers: Orphanet 85201, MedGen C1853566, MONDO:0011640, OMIM 606170.

Allele frequency attached by ClinVar (database versions not stated): gnomAD exomes below 0.00001.
gnomAD v4.1: 1 of 1,614,074 alleles (0.000062%); highest among the groups gnomAD compares: Non-Finnish European, 0.000085%; no homozygotes.

Submission:

Labcorp Genetics (formerly Invitae), Labcorp
Classification: Uncertain significance for Genitopatellar syndrome. Last evaluated: 2021-09-19. Review status: criteria provided, single submitter. Criteria: Invitae Variant Classification Sherloc (09022015). Collection method: clinical testing. Allele origin: germline.
Comment: This sequence change replaces glycine with glutamic acid at codon 1509 of the KAT6B protein (p.Gly1509Glu). The glycine residue is weakly conserved and there is a moderate physicochemical difference between glycine and glutamic acid. This variant is not present in population databases (ExAC no frequency). This variant has not been reported in the literature in individuals affected with KAT6B-related conditions. Algorithms developed to predict the effect of missense changes on protein structure and function output the following: SIFT: "Tolerated"; PolyPhen-2: "Benign"; Align-GVGD: "Class C0". The glutamic acid amino acid residue is found in multiple mammalian species, which suggests that this missense change does not adversely affect protein function. In summary, the available evidence is currently insufficient to determine the role of this variant in disease. Therefore, it has been classified as a Variant of Uncertain Significance.

NM_012330.4(KAT6B):c.4526G>A (p.Gly1509Glu)

Gene: KAT6B (lysine acetyltransferase 6B; plus strand). Cytogenetic location: 10q22.2.
Variant type: single nucleotide variant.
Coding change: c.4526G>A on transcript NM_012330.4 (MANE Select); coding-DNA position 4526, G replaced by A.
Protein change: p.Gly1509Glu; replaces glycine 1509 with glutamic acid.
Molecular consequence: missense variant.
Genome position (GRCh38, 1-based): chr10:75,029,350, G>A. VCF-style: chr10-75029350-G-A. GRCh37 (hg19) VCF-style: chr10-76789108-G-A.
Other names: c.3977G>A, p.Gly1326Glu (NM_001256468.2, NM_001370138.1); c.3650G>A, p.Gly1217Glu (NM_001256469.2, NM_001370139.1, NM_001370140.1 and 2 more transcripts); c.3488G>A, p.Gly1163Glu (NM_001370132.1); c.2837G>A, p.Gly946Glu (NM_001370133.1); c.2441G>A, p.Gly814Glu (NM_001370134.1); c.2183G>A, p.Gly728Glu (NM_001370135.1); c.4526G>A, p.Gly1509Glu (NM_001370136.1, NM_001370137.1); c.3461G>A, p.Gly1154Glu (NM_001370143.1, NM_001370144.1); short protein forms G814E, G1217E, G1509E, G728E, G1154E, G1163E, G1326E, G946E.
Identifiers: ClinVar variation 1352344 (VCV001352344.6), dbSNP rs2134241407, ClinGen allele CA377297538.
Genomic context (GRCh38, chr10:75,029,350, plus strand): 5'-CCAAGGAGCTTGCTGGGGACCCTGAAGCTGTACCCGAATCTGACGAGGAGCCACCCCCAG[G>A]AGAACAGGCACAGAAGCAGGACCAAAAGAACAGCAAGGAAGTCGATACAGAGTTCAAAGA-3'
Protein context (NP_036462.2, residues 1499-1519): VPESDEEPPP[Gly1509Glu]EQAQKQDQKN